The following is an entry in ClinVar:

NM_001080467.3(MYO5B):c.1984G>A (p.Asp662Asn)

Gene: MYO5B (myosin VB; minus strand). Cytogenetic location: 18q21.1.
Variant type: single nucleotide variant.
Coding change: c.1984G>A on transcript NM_001080467.3 (MANE Select); coding-DNA position 1984, G replaced by A.
Protein change: p.Asp662Asn; replaces aspartic acid 662 with asparagine.
Molecular consequence: missense variant.
Genome position (GRCh38, 1-based): chr18:49,936,271, C>T on the plus strand (G>A on the coding strand, the complement: MYO5B is on the minus strand). VCF-style: chr18-49936271-C-T. GRCh37 (hg19) VCF-style: chr18-47462641-C-T.
Other names: c.1984G>A (NM_001080467.2); short protein forms D662N.
Identifiers: ClinVar variation 1143998 (VCV001143998.45), dbSNP rs200378779, ClinGen allele CA8961297.

ClinVar aggregate classification (germline): Conflicting classifications of pathogenicity. Review status: criteria provided, conflicting classifications (1 of 4 stars). 4 submissions from 4 submitters: Uncertain significance (2); Likely benign (1). 1 of the submissions does not count toward it. Last evaluated 2026-03-07.

Conditions:
MYO5B-related disorder. Also called: MYO5B-related condition.

Allele frequency attached by ClinVar (database versions not stated): ESP Exome Variant Server 0.00048; TOPMed 0.00052; gnomAD 0.00053 and 0.00054; ExAC 0.00057; 1000 Genomes Project 0.00100; 1000 Genomes Project 30x 0.00156.
gnomAD v4.1: 180 of 1,599,786 alleles (0.011%); highest among the groups gnomAD compares: African/African-American, 0.16%; no homozygotes.

Submissions (4):

GeneDx
Classification: Uncertain significance. Last evaluated: 2026-03-07. Review status: criteria provided, single submitter. Criteria: GeneDx Variant Classification Process June 2021. Collection method: clinical testing. Allele origin: germline.
Comment: In silico analysis supports that this missense variant has a deleterious effect on protein structure/function; Has not been previously published as pathogenic or benign to our knowledge

Labcorp Genetics (formerly Invitae), Labcorp
Classification: Likely benign. Last evaluated: 2025-10-11. Review status: criteria provided, single submitter. Criteria: Invitae Variant Classification Sherloc (09022015). Collection method: clinical testing. Allele origin: germline.

CeGaT Center for Human Genetics Tuebingen
Classification: Uncertain significance. Last evaluated: 2021-07-01. Review status: criteria provided, single submitter. Criteria: CeGaT Center For Human Genetics Tuebingen Variant Classification Criteria Version 2. Collection method: clinical testing. Allele origin: germline. Affected: yes. Observed: 1 variant allele.

PreventionGenetics, part of Exact Sciences
Classification: Likely benign for MYO5B-related condition. Last evaluated: 2023-02-13. Review status: no assertion criteria provided. Collection method: clinical testing. Allele origin: germline. Not counted in ClinVar's aggregate classification.
Comment: This variant is classified as likely benign based on ACMG/AMP sequence variant interpretation guidelines (Richards et al. 2015 PMID: 25741868, with internal and published modifications).